The following is an entry in ClinVar:

ClinVar aggregate classification (germline): Uncertain significance (1 of 4 stars; one submission).

Conditions:
Generalized epilepsy-paroxysmal dyskinesia syndrome (PNKD3). Also called: Generalized epilepsy and paroxysmal dyskinesia; Paroxysmal nonkinesigenic dyskinesia, 3, with or without generalized epilepsy. Identifiers: Orphanet 79137, MedGen C5574945, MONDO:0012276, OMIM 609446.

Submission:

Labcorp Genetics (formerly Invitae), Labcorp
Classification: Uncertain significance for Generalized epilepsy-paroxysmal dyskinesia syndrome. Last evaluated: 2024-08-06. Review status: criteria provided, single submitter. Criteria: Invitae Variant Classification Sherloc (09022015). Collection method: clinical testing. Allele origin: germline.
Comment: This sequence change replaces lysine, which is basic and polar, with arginine, which is basic and polar, at codon 1143 of the KCNMA1 protein (p.Lys1143Arg). This variant is not present in population databases (gnomAD no frequency). This variant has not been reported in the literature in individuals affected with KCNMA1-related conditions. An algorithm developed to predict the effect of missense changes on protein structure and function (PolyPhen-2) suggests that this variant is likely to be disruptive. In summary, the available evidence is currently insufficient to determine the role of this variant in disease. Therefore, it has been classified as a Variant of Uncertain Significance.

NM_001161352.2(KCNMA1):c.3602A>G (p.Lys1201Arg)

Gene: KCNMA1 (potassium calcium-activated channel subfamily M alpha 1; minus strand). Cytogenetic location: 10q22.3.
Variant type: single nucleotide variant.
Coding change: c.3602A>G on transcript NM_001161352.2 (MANE Select); coding-DNA position 3602, A replaced by G.
Protein change: p.Lys1201Arg; replaces lysine 1201 with arginine.
Molecular consequence: missense variant.
Genome position (GRCh38, 1-based): chr10:76,887,375, T>C on the plus strand (A>G on the coding strand, the complement: KCNMA1 is on the minus strand). VCF-style: chr10-76887375-T-C. GRCh37 (hg19) VCF-style: chr10-78647133-T-C.
Other names: c.3440A>G, p.Lys1147Arg (NM_001014797.3); c.3551A>G, p.Lys1184Arg (NM_001161353.2); c.3278A>G, p.Lys1093Arg (NM_001271518.2); c.3518A>G, p.Lys1173Arg (NM_001271519.2); c.3437A>G, p.Lys1146Arg (NM_001322829.2, NM_001322836.2); c.3530A>G, p.Lys1177Arg (NM_001322830.2); c.3428A>G, p.Lys1143Arg (NM_001322832.2, NM_001410940.1, NM_002247.4); c.3521A>G, p.Lys1174Arg (NM_001322835.2, NM_001322837.2); and 1 more; short protein forms K1093R, K1184R, K1173R, K1177R, K992R, K1143R, K1146R, K1147R.
Identifiers: ClinVar variation 3661523 (VCV003661523.2).